The following is an entry in ClinVar:

NM_005477.3(HCN4):c.1706T>C (p.Ile569Thr)

Gene: HCN4 (hyperpolarization activated cyclic nucleotide gated potassium channel 4; minus strand). Cytogenetic location: 15q24.1.
Variant type: single nucleotide variant.
Coding change: c.1706T>C on transcript NM_005477.3 (MANE Select); coding-DNA position 1706, T replaced by C.
Protein change: p.Ile569Thr; replaces isoleucine 569 with threonine.
Molecular consequence: missense variant.
Genome position (GRCh38, 1-based): chr15:73,325,329, A>G on the plus strand (T>C on the coding strand, the complement: HCN4 is on the minus strand). VCF-style: chr15-73325329-A-G. GRCh37 (hg19) VCF-style: chr15-73617670-A-G.
Other names: short protein forms I569T.
Identifiers: ClinVar variation 3707143 (VCV003707143.2).
Genomic context (GRCh38, chr15:73,325,329, plus strand): 5'-CCTCCACGCCGGGCCGCCACACAGCTCACCTCCCGCAGGGGCTCGCTTAGCTCGCCCAGG[A>G]TGCTCTCCTCGTCGAACATCTTGCCCTGGTAGCGGTGCTCGTAGTAGTCGTGGATGCGCT-3'
Protein context (NP_005468.1, residues 559-579): YQGKMFDEES[Ile569Thr]LGELSEPLRE

ClinVar aggregate classification (germline): Uncertain significance (1 of 4 stars; one submission).

Conditions:
Brugada syndrome 8 (BRGDA8). Identifiers: Orphanet 130, MedGen C2751083, MONDO:0013148, OMIM 613123.

gnomAD v4.1: 2 of 1,613,498 alleles (0.00012%); highest among the groups gnomAD compares: Non-Finnish European, 0.00017%; no homozygotes.

Submission:

Labcorp Genetics (formerly Invitae), Labcorp
Classification: Uncertain significance for Brugada syndrome 8. Last evaluated: 2024-09-11. Review status: criteria provided, single submitter. Criteria: Invitae Variant Classification Sherloc (09022015). Collection method: clinical testing. Allele origin: germline.
Comment: This sequence change replaces isoleucine, which is neutral and non-polar, with threonine, which is neutral and polar, at codon 569 of the HCN4 protein (p.Ile569Thr). This variant is not present in population databases (gnomAD no frequency). This variant has not been reported in the literature in individuals affected with HCN4-related conditions. Invitae Evidence Modeling of protein sequence and biophysical properties (such as structural, functional, and spatial information, amino acid conservation, physicochemical variation, residue mobility, and thermodynamic stability) indicates that this missense variant is expected to disrupt HCN4 protein function with a positive predictive value of 80%. In summary, the available evidence is currently insufficient to determine the role of this variant in disease. Therefore, it has been classified as a Variant of Uncertain Significance.